The following is an entry in ClinVar:

ClinVar aggregate classification (germline): Uncertain significance (1 of 4 stars; one submission).

Conditions:
Muscular dystrophy-dystroglycanopathy (congenital with impaired intellectual development), type B, 1. Also called: Muscular dystrophy-dystroglycanopathy (congenital with intellectual disability), type B1; MUSCULAR DYSTROPHY, CONGENITAL, POMT1-RELATED. Identifiers: MedGen C5436962, MONDO:0013159, OMIM 613155.
Walker-Warburg congenital muscular dystrophy. Also called: Muscular dystrophy-dystroglycanopathy, type A; Walker-Warburg syndrome. Identifiers: Orphanet 899, MedGen C0265221, MONDO:0000171.
Autosomal recessive limb-girdle muscular dystrophy type 2K. Also called: MUSCULAR DYSTROPHY-DYSTROGLYCANOPATHY (LIMB-GIRDLE), TYPE C, 1; MUSCULAR DYSTROPHY, LIMB-GIRDLE, TYPE 2K. Identifiers: Orphanet 86812, MedGen C1836373, MONDO:0012248, OMIM 609308.

Submission:

Labcorp Genetics (formerly Invitae), Labcorp
Classification: Uncertain significance for Muscular dystrophy-dystroglycanopathy (congenital with impaired intellectual development), type B, 1; Walker-Warburg congenital muscular dystrophy; Autosomal recessive limb-girdle muscular dystrophy type 2K. Last evaluated: 2023-07-17. Review status: criteria provided, single submitter. Criteria: Invitae Variant Classification Sherloc (09022015). Collection method: clinical testing. Allele origin: germline.
Comment: This sequence change replaces alanine, which is neutral and non-polar, with valine, which is neutral and non-polar, at codon 21 of the POMT1 protein (p.Ala21Val). This variant is not present in population databases (gnomAD no frequency). This variant has not been reported in the literature in individuals affected with POMT1-related conditions. ClinVar contains an entry for this variant (Variation ID: 2130005). Advanced modeling of protein sequence and biophysical properties (such as structural, functional, and spatial information, amino acid conservation, physicochemical variation, residue mobility, and thermodynamic stability) performed at Invitae indicates that this missense variant is not expected to disrupt POMT1 protein function. In summary, the available evidence is currently insufficient to determine the role of this variant in disease. Therefore, it has been classified as a Variant of Uncertain Significance.

NM_001077365.2(POMT1):c.62C>T (p.Ala21Val)

Gene: POMT1 (protein O-mannosyltransferase 1; plus strand). Cytogenetic location: 9q34.13.
Variant type: single nucleotide variant.
Coding change: c.62C>T on transcript NM_001077365.2 (MANE Select); coding-DNA position 62, C replaced by T.
Protein change: p.Ala21Val; replaces alanine 21 with valine.
Molecular consequence: missense variant. On other transcripts: 5 prime UTR variant (4), non-coding transcript variant (4), intron variant (9).
Genome position (GRCh38, 1-based): chr9:131,504,280, C>T. VCF-style: chr9-131504280-C-T. GRCh37 (hg19) VCF-style: chr9-134379667-C-T.
Other names: c.62C>T, p.Ala21Val (NM_001136113.2, NM_001353193.2, NM_001353196.2 and 2 more transcripts); c.-183C>T (NM_001353195.2); c.-410C>T (NM_001353198.2); c.-132C>T (NM_001374692.1); c.-90C>T (NM_001374695.1); c.-41+967C>T (NM_001353194.2); c.-72+967C>T (NM_001374691.1); c.-41+1207C>T (NM_001374689.1, NM_001353197.2, NM_001077366.2 and 1 more transcripts); and 2 more; short protein forms A21V.
Identifiers: ClinVar variation 2130005 (VCV002130005.4), dbSNP rs2539021115, ClinGen allele CA375305170.